The following is an entry in ClinVar:

ClinVar aggregate classification (germline): Pathogenic (1 of 4 stars; one submission).

Submission:

Labcorp Genetics (formerly Invitae), Labcorp
Classification: Pathogenic. Last evaluated: 2024-04-12. Review status: criteria provided, single submitter. Criteria: Invitae Variant Classification Sherloc (09022015). Collection method: clinical testing. Allele origin: germline.
Comment: This sequence change creates a premature translational stop signal (p.Cys345*) in the NEXMIF gene. It is expected to result in an absent or disrupted protein product. Loss-of-function variants in NEXMIF are known to be pathogenic (PMID: 23615299). This variant is not present in population databases (gnomAD no frequency). This variant has not been reported in the literature in individuals affected with NEXMIF-related conditions. For these reasons, this variant has been classified as Pathogenic.

Literature cited by the submitters: PubMed 23615299.

NM_001008537.3(NEXMIF):c.1035C>A (p.Cys345Ter)

Gene: NEXMIF (neurite extension and migration factor; minus strand). Cytogenetic location: Xq13.3.
Variant type: single nucleotide variant.
Coding change: c.1035C>A on transcript NM_001008537.3 (MANE Select); coding-DNA position 1035, C replaced by A.
Protein change: p.Cys345Ter; replaces cysteine 345 with a stop codon.
Molecular consequence: nonsense.
Genome position (GRCh38, 1-based): chrX:74,743,522, G>T on the plus strand (C>A on the coding strand, the complement: NEXMIF is on the minus strand). VCF-style: chrX-74743522-G-T. GRCh37 (hg19) VCF-style: chrX-73963357-G-T.
Other names: short protein forms C345*.
Identifiers: ClinVar variation 3649687 (VCV003649687.2).